The following is an entry in ClinVar:

ClinVar aggregate classification (germline): Uncertain significance (1 of 4 stars; one submission).

gnomAD v4.1: 2 of 1,613,254 alleles (0.00012%); no homozygotes.

Submission:

Labcorp Genetics (formerly Invitae), Labcorp
Classification: Uncertain significance. Last evaluated: 2024-02-11. Review status: criteria provided, single submitter. Criteria: Invitae Variant Classification Sherloc (09022015). Collection method: clinical testing. Allele origin: germline.
Comment: This sequence change replaces arginine, which is basic and polar, with cysteine, which is neutral and slightly polar, at codon 401 of the LOX protein (p.Arg401Cys). This variant is present in population databases (rs750792682, gnomAD 0.004%). This variant has not been reported in the literature in individuals affected with LOX-related conditions. Advanced modeling of protein sequence and biophysical properties (such as structural, functional, and spatial information, amino acid conservation, physicochemical variation, residue mobility, and thermodynamic stability) performed at Invitae indicates that this missense variant is expected to disrupt LOX protein function with a positive predictive value of 80%. In summary, the available evidence is currently insufficient to determine the role of this variant in disease. Therefore, it has been classified as a Variant of Uncertain Significance.

NM_002317.7(LOX):c.1201C>T (p.Arg401Cys)

Genes: LOX (lysyl oxidase; minus strand), SRFBP1 (serum response factor binding protein 1; plus strand). Cytogenetic location: 5q23.1.
Variant type: single nucleotide variant.
Coding change: c.1201C>T on transcript NM_002317.7 (MANE Select); coding-DNA position 1201, C replaced by T.
Protein change: p.Arg401Cys; replaces arginine 401 with cysteine.
Molecular consequence: missense variant.
Genome position (GRCh38, 1-based): chr5:122,070,099, G>A on the plus strand (C>T on the coding strand, the complement: LOX is on the minus strand). VCF-style: chr5-122070099-G-A. GRCh37 (hg19) VCF-style: chr5-121405794-G-A.
Other names: c.511C>T, p.Arg171Cys (NM_001178102.2); c.310C>T, p.Arg104Cys (NM_001317073.1); short protein forms R401C, R104C, R171C.
Identifiers: ClinVar variation 3682859 (VCV003682859.2).